The following is an entry in ClinVar:

ClinVar aggregate classification (germline): Conflicting classifications of pathogenicity. Review status: criteria provided, conflicting classifications (1 of 4 stars). 4 submissions from 4 submitters: Uncertain significance (1); Likely benign (3). Last evaluated 2024-09-12.

Conditions:
Familial acute necrotizing encephalopathy (IIAE3). Also called: Susceptibility to Acute Necrotizing Encephalopathy 1; ENCEPHALOPATHY, ACUTE, INFECTION-INDUCED, SUSCEPTIBILITY TO, 3. Identifiers: Orphanet 88619, MedGen C2675556, MONDO:0011953, OMIM 608033.

Allele frequency attached by ClinVar (database versions not stated): gnomAD exomes 0.00010 and 0.00020; gnomAD 0.00012 and 0.00013; ExAC 0.00018; TOPMed 0.00021.

Submissions (4):

Ambry Genetics
Classification: Uncertain significance. Last evaluated: 2024-09-12. Review status: criteria provided, single submitter. Criteria: Ambry Variant Classification Scheme 2023. Collection method: clinical testing. Allele origin: germline.

Labcorp Genetics (formerly Invitae), Labcorp
Classification: Likely benign for Familial acute necrotizing encephalopathy. Last evaluated: 2024-02-24. Review status: criteria provided, single submitter. Criteria: Invitae Variant Classification Sherloc (09022015). Collection method: clinical testing. Allele origin: germline.

CeGaT Center for Human Genetics Tuebingen
Classification: Likely benign. Last evaluated: 2023-06-01. Review status: criteria provided, single submitter. Criteria: CeGaT Center For Human Genetics Tuebingen Variant Classification Criteria Version 2. Collection method: clinical testing. Allele origin: germline. Affected: yes. Observed: 1 variant allele.
Comment: RANBP2: BP4

Breakthrough Genomics
Classification: Likely benign. Review status: criteria provided, single submitter. Criteria: ACMG Guidelines, 2015. Collection method: not provided. Allele origin: germline. Inheritance: Autosomal dominant inheritance. Affected: yes.

NM_006267.5(RANBP2):c.1225A>G (p.Ile409Val)

Gene: RANBP2 (RAN binding protein 2; plus strand). Cytogenetic location: 2q13.
Variant type: single nucleotide variant.
Coding change: c.1225A>G on transcript NM_006267.5 (MANE Select); coding-DNA position 1225, A replaced by G.
Protein change: p.Ile409Val; replaces isoleucine 409 with valine.
Molecular consequence: missense variant.
Genome position (GRCh38, 1-based): chr2:108,749,081, A>G. VCF-style: chr2-108749081-A-G. GRCh37 (hg19) VCF-style: chr2-109365537-A-G.
Other names: short protein forms I409V.
Identifiers: ClinVar variation 721773 (VCV000721773.37), dbSNP rs201087513, ClinGen allele CA1822265.
Genomic context (GRCh38, chr2:108,749,081, plus strand): 5'-CTGTTTTCTAGTCAGTCACCTAAGGATACATCTTTTCTTGGTAGCGATGATATTGGAAAC[A>G]TTGATGTACGAGAACCAGAGCTTGAAGATTTGACTAGATACGATGTTGGTAAGTTATATG-3'
Protein context (NP_006258.3, residues 399-419): SFLGSDDIGN[Ile409Val]DVREPELEDL